The following is an entry in ClinVar:

ClinVar aggregate classification (germline): Uncertain significance. Review status: criteria provided, multiple submitters, no conflicts (2 of 4 stars). 3 submissions from 3 submitters: Uncertain significance (3). Last evaluated 2026-01-20.

Conditions:
Cardiomyopathy (CMYO). Also called: Cardiomyopathies. Identifiers: Orphanet 167848, MedGen C0878544, MONDO:0004994, HP:0001638. Inheritance: Various modes of inheritance.
Hypertrophic cardiomyopathy. Also called: HYPERTROPHIC MYOCARDIOPATHY. Identifiers: Orphanet 217569, MedGen C0007194, MeSH D002312, MONDO:0005045, HP:0001639.

Allele frequency attached by ClinVar (database versions not stated): gnomAD exomes below 0.00001.
gnomAD v4.1: 5 of 1,613,980 alleles (0.00031%); highest among the groups gnomAD compares: South Asian, 0.0011%; no homozygotes.

Submissions (3):

Labcorp Genetics (formerly Invitae), Labcorp
Classification: Uncertain significance for Hypertrophic cardiomyopathy. Last evaluated: 2026-01-20. Review status: criteria provided, single submitter. Criteria: Invitae Variant Classification Sherloc (09022015). Collection method: clinical testing. Allele origin: germline.
Comment: This sequence change replaces methionine, which is neutral and non-polar, with valine, which is neutral and non-polar, at codon 836 of the MYBPC3 protein (p.Met836Val). This variant is present in population databases (no rsID available, gnomAD 0.003%). This variant has not been reported in the literature in individuals affected with MYBPC3-related conditions. ClinVar contains an entry for this variant (Variation ID: 2069123). An algorithm developed to predict the effect of missense changes on protein structure and function (PolyPhen-2) suggests that this variant is likely to be disruptive. In summary, the available evidence is currently insufficient to determine the role of this variant in disease. Therefore, it has been classified as a Variant of Uncertain Significance.

All of Us Research Program, National Institutes of Health
Classification: Uncertain significance for Hypertrophic cardiomyopathy. Last evaluated: 2023-06-26. Review status: criteria provided, single submitter. Criteria: ACMG Guidelines, 2015. Collection method: clinical testing. Allele origin: germline. Inheritance: Autosomal dominant inheritance. Observed: 1 variant allele, 1 heterozygote.
Comment: This missense variant replaces methionine with valine at codon 836 of the MYBPC3 protein. Computational prediction is inconclusive regarding the impact of this variant on protein structure and function (internally defined REVEL score threshold 0.5 < inconclusive < 0.7, PMID: 27666373). To our knowledge, functional studies have not been reported for this variant. This variant has not been reported in individuals affected with cardiovascular disorders in the literature. This variant has been identified in 1/249066 chromosomes in the general population by the Genome Aggregation Database (gnomAD). The available evidence is insufficient to determine the role of this variant in disease conclusively. Therefore, this variant is classified as a Variant of Uncertain Significance.

This study involves interpretation of variants in research participants for the purpose of population health screening. Participant phenotype was not available at the time of variant classification. Additional details can be found in publication PMID: 35346344, PMCID: PMC8962531

Color Diagnostics, LLC DBA Color Health
Classification: Uncertain significance for Cardiomyopathy. Last evaluated: 2023-05-31. Review status: criteria provided, single submitter. Criteria: ACMG Guidelines, 2015. Collection method: clinical testing. Allele origin: germline.
Comment: This missense variant replaces methionine with valine at codon 836 of the MYBPC3 protein. Computational prediction is inconclusive regarding the impact of this variant on protein structure and function (internally defined REVEL score threshold 0.5 < inconclusive < 0.7, PMID: 27666373). To our knowledge, functional studies have not been reported for this variant. This variant has not been reported in individuals affected with MYBPC3-related disorders in the literature. This variant has been identified in 1/249066 chromosomes in the general population by the Genome Aggregation Database (gnomAD). The available evidence is insufficient to determine the role of this variant in disease conclusively. Therefore, this variant is classified as a Variant of Uncertain Significance.

NM_000256.3(MYBPC3):c.2506A>G (p.Met836Val)

Gene: MYBPC3 (myosin binding protein C3; minus strand). Cytogenetic location: 11p11.2.
Variant type: single nucleotide variant.
Coding change: c.2506A>G on transcript NM_000256.3 (MANE Select); coding-DNA position 2506, A replaced by G.
Protein change: p.Met836Val; replaces methionine 836 with valine.
Molecular consequence: missense variant.
Genome position (GRCh38, 1-based): chr11:47,337,487, T>C on the plus strand (A>G on the coding strand, the complement: MYBPC3 is on the minus strand). VCF-style: chr11-47337487-T-C. GRCh37 (hg19) VCF-style: chr11-47359038-T-C.
Other names: short protein forms M836V.
Identifiers: ClinVar variation 2069123 (VCV002069123.5), dbSNP rs1411780602, ClinGen allele CA380318230.